The following is an entry in ClinVar:

NM_003239.5(TGFB3):c.463C>T (p.Arg155Trp)

Gene: TGFB3 (transforming growth factor beta 3; minus strand). Cytogenetic location: 14q24.3.
Variant type: single nucleotide variant.
Coding change: c.463C>T on transcript NM_003239.5 (MANE Select); coding-DNA position 463, C replaced by T.
Protein change: p.Arg155Trp; replaces arginine 155 with tryptophan.
Molecular consequence: missense variant.
Genome position (GRCh38, 1-based): chr14:75,971,608, G>A on the plus strand (C>T on the coding strand, the complement: TGFB3 is on the minus strand). VCF-style: chr14-75971608-G-A. GRCh37 (hg19) VCF-style: chr14-76437951-G-A.
Other names: c.463C>T, p.Arg155Trp (NM_001329938.2, NM_001329939.2); short protein forms R155W.
Identifiers: ClinVar variation 543955 (VCV000543955.18), dbSNP rs868258653, ClinGen allele CA263707121.

ClinVar aggregate classification (germline): Conflicting classifications of pathogenicity. Review status: criteria provided, conflicting classifications (1 of 4 stars). 4 submissions from 4 submitters: Likely pathogenic (2); Uncertain significance (2). Last evaluated 2025-08-15.

Conditions:
Arrhythmogenic right ventricular dysplasia 1. Identifiers: Orphanet 3403, MedGen C1862511, MONDO:0007152, OMIM 107970.
Rienhoff syndrome. Also called: LOEYS-DIETZ SYNDROME 5. Identifiers: MedGen C3810012, MONDO:0014262, OMIM 615582.
Familial thoracic aortic aneurysm and aortic dissection (TAAD). Also called: Thoracic aortic aneurysms and dissections. Identifiers: Orphanet 91387, MedGen C4707243, MONDO:0019625.

Allele frequency attached by ClinVar (database versions not stated): gnomAD exomes below 0.00001; gnomAD 0.00001; TOPMed 0.00001.
gnomAD v4.1: 3 of 1,614,074 alleles (0.00019%); highest among the groups gnomAD compares: South Asian, 0.0011%; no homozygotes.

Submissions (4):

GeneDx
Classification: Uncertain significance. Last evaluated: 2025-08-15. Review status: criteria provided, single submitter. Criteria: GeneDx Variant Classification Process June 2021. Collection method: clinical testing. Allele origin: germline. Affected: yes.
Comment: Reported in patients with TAAD, coronary artery dissection, and/or other connective tissue disorder features that overlap with those observed in Loeys-Dietz syndrome (PMID: 31898322, 32897753); Not observed at significant frequency in large population cohorts (gnomAD); In silico analysis supports that this missense variant has a deleterious effect on protein structure/function; This variant is associated with the following publications: (PMID: 32897753, 31898322)

Labcorp Genetics (formerly Invitae), Labcorp
Classification: Likely pathogenic for Rienhoff syndrome. Last evaluated: 2022-07-17. Review status: criteria provided, single submitter. Criteria: Invitae Variant Classification Sherloc (09022015). Collection method: clinical testing. Allele origin: germline.
Comment: This sequence change replaces arginine, which is basic and polar, with tryptophan, which is neutral and slightly polar, at codon 155 of the TGFB3 protein (p.Arg155Trp). This variant is not present in population databases (gnomAD no frequency). This missense change has been observed in individuals with clinical features of TGFB3-related conditions (PMID: 31898322, 32897753; Invitae). ClinVar contains an entry for this variant (Variation ID: 543955). Algorithms developed to predict the effect of missense changes on protein structure and function are either unavailable or do not agree on the potential impact of this missense change (SIFT: "Deleterious"; PolyPhen-2: "Probably Damaging"; Align-GVGD: "Class C0"). Algorithms developed to predict the effect of sequence changes on RNA splicing suggest that this variant may create or strengthen a splice site. This variant disrupts the p.Arg155 amino acid residue in TGFB3. Other variant(s) that disrupt this residue have been observed in individuals with TGFB3-related conditions (Invitae), which suggests that this may be a clinically significant amino acid residue. In summary, the currently available evidence indicates that the variant is pathogenic, but additional data are needed to prove that conclusively. Therefore, this variant has been classified as Likely Pathogenic.

Ambry Genetics
Classification: Likely pathogenic for Familial thoracic aortic aneurysm and aortic dissection. Last evaluated: 2021-10-14. Review status: criteria provided, single submitter. Criteria: Ambry Variant Classification Scheme 2023. Collection method: clinical testing. Allele origin: germline.
Comment: The p.R155W variant (also known as c.463C>T), located in coding exon 2 of the TGFB3 gene, results from a C to T substitution at nucleotide position 463. The arginine at codon 155 is replaced by tryptophan, an amino acid with dissimilar properties. This variant has been reported in affected individuals with features of Loeys-Dietz syndrome, including aortic dissection, tortuosity of the vertebral arteries, bifid uvula, and/ or other connective tissue disease findings (Verstraeten A et al. Circulation, 2020 09;142:1021-1024; Marsili L et al. Clin Genet, 2020 05;97:723-730). Based on internal structural analysis, p.R155W decreases the structure stability (Ambry internal data; Zhao B et al. J Biol Chem, 2018 02;293:1579-1589). This variant is considered to be rare based on population cohorts in the Genome Aggregation Database (gnomAD). This amino acid position is highly conserved in available vertebrate species. In addition, this alteration is predicted to be deleterious by in silico analysis. Based on the majority of available evidence to date, this variant is likely to be pathogenic.

Fulgent Genetics
Classification: Uncertain significance for Arrhythmogenic right ventricular dysplasia 1; Rienhoff syndrome. Last evaluated: 2021-08-12. Review status: criteria provided, single submitter. Criteria: ACMG Guidelines, 2015. Collection method: clinical testing. Allele origin: unknown.

Literature cited by the submitters: PubMed 31898322 (cited by Labcorp Genetics (formerly Invitae), Labcorp and Ambry Genetics); PubMed 32897753 (cited by Labcorp Genetics (formerly Invitae), Labcorp and Ambry Genetics); PubMed 29109152 (cited by Ambry Genetics).